The following is an entry in ClinVar:

ClinVar aggregate classification (germline): Conflicting classifications of pathogenicity. Review status: criteria provided, conflicting classifications (1 of 4 stars). 2 submissions from 2 submitters: Uncertain significance (1); Likely benign (1). Last evaluated 2025-07-25.

Conditions:
Cardiovascular phenotype. Identifiers: MedGen CN230736.

Allele frequency attached by ClinVar (database versions not stated): gnomAD 0.00005; TOPMed 0.00009; ExAC 0.00001; gnomAD exomes 0.00004.
gnomAD v4.1: 74 of 1,612,416 alleles (0.0046%); highest among the groups gnomAD compares: Admixed American, 0.0083%; no homozygotes.

Submissions (2):

Ambry Genetics
Classification: Likely benign for Cardiovascular phenotype. Last evaluated: 2025-07-25. Review status: criteria provided, single submitter. Criteria: Ambry Variant Classification Scheme 2023. Collection method: clinical testing. Allele origin: germline.

GeneDx
Classification: Uncertain significance. Last evaluated: 2024-05-06. Review status: criteria provided, single submitter. Criteria: GeneDx Variant Classification Process June 2021. Collection method: clinical testing. Allele origin: germline.
Comment: Has not been previously published as pathogenic or benign to our knowledge; In silico analysis indicates that this missense variant does not alter protein structure/function

NM_001365276.2(TNXB):c.8780T>C (p.Ile2927Thr)

Gene: TNXB (tenascin XB; minus strand). Cytogenetic location: 6p21.33.
Variant type: single nucleotide variant.
Coding change: c.8780T>C on transcript NM_001365276.2 (MANE Select); coding-DNA position 8780, T replaced by C.
Protein change: p.Ile2927Thr; replaces isoleucine 2927 with threonine.
Molecular consequence: missense variant.
Genome position (GRCh38, 1-based): chr6:32,053,399, A>G on the plus strand (T>C on the coding strand, the complement: TNXB is on the minus strand). VCF-style: chr6-32053399-A-G. GRCh37 (hg19) VCF-style: chr6-32021176-A-G.
Other names: c.8774T>C, p.Ile2925Thr (NM_019105.8); short protein forms I2925T, I2927T.
Identifiers: ClinVar variation 1764618 (VCV001764618.5), dbSNP rs781570593, ClinGen allele CA3733749.